The following is an entry in ClinVar:

NM_032242.4(PLXNA1):c.2586C>T (p.Thr862=)

Gene: PLXNA1 (plexin A1; plus strand). Cytogenetic location: 3q21.3.
Variant type: single nucleotide variant.
Coding change: c.2586C>T on transcript NM_032242.4 (MANE Select); coding-DNA position 2586, C replaced by T.
Protein change: p.Thr862=; no amino-acid change (threonine 862 retained).
Molecular consequence: synonymous variant.
Genome position (GRCh38, 1-based): chr3:127,014,357, C>T. VCF-style: chr3-127014357-C-T. GRCh37 (hg19) VCF-style: chr3-126733200-C-T.
Identifiers: ClinVar variation 4982658 (VCV004982658.1).

ClinVar aggregate classification (germline): Likely benign (1 of 4 stars; one submission).

Conditions:
PLXNA1-related disorder. Also called: PLXNA1-related condition.

gnomAD v4.1: 24 of 1,593,168 alleles (0.0015%); highest among the groups gnomAD compares: Middle Eastern, 0.033%; no homozygotes.

Submission:

PreventionGenetics, part of Exact Sciences
Classification: Likely benign for PLXNA1-related condition. Last evaluated: 2026-08-07. Review status: criteria provided, single submitter. Criteria: ACMG Guidelines, 2015. Collection method: clinical testing. Allele origin: germline.
Comment: This variant is classified as likely benign based on ACMG/AMP sequence variant interpretation guidelines (Richards et al. 2015 PMID: 25741868, with internal and published modifications).